The following is an entry in ClinVar:

NM_013266.4(CTNNA3):c.1780A>C (p.Ser594Arg)

Gene: CTNNA3 (catenin alpha 3; minus strand). Cytogenetic location: 10q21.3.
Variant type: single nucleotide variant.
Coding change: c.1780A>C on transcript NM_013266.4 (MANE Select); coding-DNA position 1780, A replaced by C.
Protein change: p.Ser594Arg; replaces serine 594 with arginine.
Molecular consequence: missense variant.
Genome position (GRCh38, 1-based): chr10:66,280,574, T>G on the plus strand (A>C on the coding strand, the complement: CTNNA3 is on the minus strand). VCF-style: chr10-66280574-T-G. GRCh37 (hg19) VCF-style: chr10-68040332-T-G.
Other names: c.1780A>C, p.Ser594Arg (NM_001127384.3); short protein forms S594R.
Identifiers: ClinVar variation 2564937 (VCV002564937.2), dbSNP rs2546926272, ClinGen allele CA377091071.

ClinVar aggregate classification (germline): Uncertain significance (1 of 4 stars; one submission).

gnomAD v4.1: 12 of 1,609,336 alleles (0.00075%); highest among the groups gnomAD compares: Non-Finnish European, 0.001%; no homozygotes.

Submission:

Ambry Genetics
Classification: Uncertain significance. Last evaluated: 2023-03-29. Review status: criteria provided, single submitter. Criteria: Ambry Variant Classification Scheme 2023. Collection method: clinical testing. Allele origin: germline.
Comment: The p.S594R variant (also known as c.1780A>C), located in coding exon 12 of the CTNNA3 gene, results from an A to C substitution at nucleotide position 1780. The serine at codon 594 is replaced by arginine, an amino acid with dissimilar properties. This amino acid position is conserved. In addition, this alteration is predicted to be tolerated by in silico analysis. Since supporting evidence is limited at this time, the clinical significance of this alteration remains unclear.